The following is an entry in ClinVar:

NM_001384900.1(SEMA3D):c.2190C>T (p.Tyr730=)

Genes: SEMA3D (semaphorin 3D; minus strand), LOC126860094 (BRD4-independent group 4 enhancer GRCh37_chr7:84628763-84629962; plus strand). Cytogenetic location: 7q21.11.
Variant type: single nucleotide variant.
Coding change: c.2190C>T on transcript NM_001384900.1 (MANE Select); coding-DNA position 2190, C replaced by T.
Protein change: p.Tyr730=; no amino-acid change (tyrosine 730 retained).
Molecular consequence: synonymous variant.
Genome position (GRCh38, 1-based): chr7:84,999,584, G>A on the plus strand (C>T on the coding strand, the complement: SEMA3D is on the minus strand). VCF-style: chr7-84999584-G-A. GRCh37 (hg19) VCF-style: chr7-84628900-G-A.
Other names: c.2190C>T, p.Tyr730= (NM_001384901.1, NM_001384902.1, NM_001384903.1 and 1 more transcripts).
Identifiers: ClinVar variation 4987775 (VCV004987775.1).

ClinVar aggregate classification (germline): Likely benign (1 of 4 stars; one submission).

Conditions:
SEMA3D-related disorder. Also called: SEMA3D-related condition.

gnomAD v4.1: 1 of 1,614,114 alleles (0.000062%); highest among the groups gnomAD compares: Non-Finnish European, 0.000085%; no homozygotes.

Submission:

PreventionGenetics, part of Exact Sciences
Classification: Likely benign for SEMA3D-related condition. Last evaluated: 2025-01-31. Review status: criteria provided, single submitter. Criteria: ACMG Guidelines, 2015. Collection method: clinical testing. Allele origin: germline.
Comment: This variant is classified as likely benign based on ACMG/AMP sequence variant interpretation guidelines (Richards et al. 2015 PMID: 25741868, with internal and published modifications).